The following is an entry in ClinVar:

ClinVar aggregate classification (germline): Uncertain significance (1 of 4 stars; one submission).

Allele frequency attached by ClinVar (database versions not stated): gnomAD exomes below 0.00001 and 0.00001; gnomAD 0.00002; TOPMed 0.00002.

Submission:

GeneDx
Classification: Uncertain significance. Last evaluated: 2017-06-23. Review status: criteria provided, single submitter. Criteria: GeneDx Variant Classification (06012015). Collection method: clinical testing. Allele origin: germline. Affected: yes.
Comment: The L415F variant in the PTCHD1 gene has not been reported previously as a pathogenic variant, nor as a benign variant, to our knowledge. The L415F variant is not observed in large population cohorts (Lek et al., 2016; 1000 Genomes Consortium et al., 2015; Exome Variant Server). The L415F variant is a conservative amino acid substitution, which is not likely to impact secondary protein structure as these residues share similar properties. This substitution occurs at a position where amino acids with similar properties to Leucine are tolerated across species. In silico analysis is inconsistent in its predictions as to whether or not the variant is damaging to the protein structure/function. We interpret L415F as a variant of uncertain significance.

NM_173495.3(PTCHD1):c.1243C>T (p.Leu415Phe)

Gene: PTCHD1 (patched domain containing 1; plus strand). Cytogenetic location: Xp22.11.
Variant type: single nucleotide variant.
Coding change: c.1243C>T on transcript NM_173495.3 (MANE Select); coding-DNA position 1243, C replaced by T.
Protein change: p.Leu415Phe; replaces leucine 415 with phenylalanine.
Molecular consequence: missense variant.
Genome position (GRCh38, 1-based): chrX:23,392,761, C>T. VCF-style: chrX-23392761-C-T. GRCh37 (hg19) VCF-style: chrX-23410878-C-T.
Other names: short protein forms L415F.
Identifiers: ClinVar variation 450030 (VCV000450030.2), dbSNP rs1277116747, ClinGen allele CA412583286.
Genomic context (GRCh38, chrX:23,392,761, plus strand): 5'-AACATTGAGGCAGCCAGGATTTTCTGCTGCAATTCCTGTATTGCAATCTTCTTCAACTAC[C>T]TCTATGTACTCTCGTTTTATGGTTCCAGCCTAGTGTTCACTGGCTACATAGAAAACAATT-3'
Protein context (NP_775766.2, residues 405-425): NSCIAIFFNY[Leu415Phe]YVLSFYGSSL